The following is an entry in ClinVar:

ClinVar aggregate classification (germline): Uncertain significance (1 of 4 stars; one submission).

Conditions:
Developmental and epileptic encephalopathy, 25 (DEE25). Also called: Epileptic encephalopathy, early infantile, 25; Developmental and epileptic encephalopathy 25, with amelogenesis imperfecta; Epileptic encephalopathy, early infantile, 25, with amelogenesis imperfecta. Identifiers: Orphanet 442835, MedGen C4014621, MONDO:0014392, OMIM 615905.

Allele frequency attached by ClinVar (database versions not stated): gnomAD exomes below 0.00001.
gnomAD v4.1: 1 of 1,606,182 alleles (0.000062%); highest among the groups gnomAD compares: East Asian, 0.0022%; no homozygotes.

Submission:

Labcorp Genetics (formerly Invitae), Labcorp
Classification: Uncertain significance for Developmental and epileptic encephalopathy, 25. Last evaluated: 2022-07-09. Review status: criteria provided, single submitter. Criteria: Invitae Variant Classification Sherloc (09022015). Collection method: clinical testing. Allele origin: germline.
Comment: In summary, the available evidence is currently insufficient to determine the role of this variant in disease. Therefore, it has been classified as a Variant of Uncertain Significance. Variants that disrupt the consensus splice site are a relatively common cause of aberrant splicing (PMID: 17576681, 9536098). Algorithms developed to predict the effect of sequence changes on RNA splicing suggest that this variant may create or strengthen a splice site. This variant has not been reported in the literature in individuals affected with SLC13A5-related conditions. This variant is not present in population databases (gnomAD no frequency). This sequence change falls in intron 8 of the SLC13A5 gene. It does not directly change the encoded amino acid sequence of the SLC13A5 protein. It affects a nucleotide within the consensus splice site.

Literature cited by the submitters: PubMed 17576681; PubMed 9536098.

NM_177550.5(SLC13A5):c.1156+5G>A

Gene: SLC13A5 (solute carrier family 13 member 5; minus strand). Cytogenetic location: 17p13.1.
Variant type: single nucleotide variant.
Coding change: c.1156+5G>A on transcript NM_177550.5 (MANE Select); 5 bases into the intron after coding-DNA position 1156, G replaced by A.
Molecular consequence: intron variant.
Genome position (GRCh38, 1-based): chr17:6,694,092, C>T on the plus strand (G>A on the coding strand, the complement: SLC13A5 is on the minus strand). VCF-style: chr17-6694092-C-T. GRCh37 (hg19) VCF-style: chr17-6597411-C-T.
Other names: c.1027+5G>A (NM_001284510.2); c.1105+5G>A (NM_001284509.2); c.1156+5G>A (NM_001143838.3).
Identifiers: ClinVar variation 2057418 (VCV002057418.3), dbSNP rs1597661022, ClinGen allele CA2245486798.